The following is an entry in ClinVar:

ClinVar aggregate classification (germline): Pathogenic (1 of 4 stars; one submission).

Submission:

GeneDx
Classification: Pathogenic. Last evaluated: 2013-03-30. Review status: criteria provided, single submitter. Criteria: GeneDx Variant Classification (06012015). Collection method: clinical testing. Allele origin: germline. Affected: yes.
Comment: The Lys183Glu mutation in the TNNI3 gene has been reported in association with HCM (Mogensen J et al., 2004). Mogensen et al. identified Lys183Glu in three affected individuals from one family with HCM and it was not observed in 150 control chromosomes. Also, Lys183Glu was not observed in approximately 6,000 individuals of European and African American ancestry in the NHLBI Exome Sequencing Project, indicating it is not a common benign variant in these populations. Other mutations at this codon (Lys183Asn) and in nearby codons (Glu182Lys, Glu184Lys, Asn185Lys) have been reported in association with cardiomyopathy, further supporting the functional importance of this codon and this region of the protein. In summary, Lys183Glu in the TNNI3 gene is interpreted as a disease-causing mutation. The variant is found in HCM panel(s).

NM_000363.5(TNNI3):c.547A>G (p.Lys183Glu)

Gene: TNNI3 (troponin I3, cardiac type; minus strand). Cytogenetic location: 19q13.42.
Variant type: single nucleotide variant.
Coding change: c.547A>G on transcript NM_000363.5 (MANE Select); coding-DNA position 547, A replaced by G.
Protein change: p.Lys183Glu; replaces lysine 183 with glutamic acid.
Molecular consequence: missense variant.
Genome position (GRCh38, 1-based): chr19:55,154,032, T>C on the plus strand (A>G on the coding strand, the complement: TNNI3 is on the minus strand). VCF-style: chr19-55154032-T-C. GRCh37 (hg19) VCF-style: chr19-55665400-T-C.
Other names: p.K183E:AAG>GAG; c.547A>G (LRG_432t1); short protein forms K183E.
Identifiers: ClinVar variation 181586 (VCV000181586.2), dbSNP rs730881077, ClinGen allele CA021854.